The following is an entry in ClinVar:

NM_002474.3(MYH11):c.1437C>G (p.Thr479=)

Gene: MYH11 (myosin heavy chain 11; minus strand). Cytogenetic location: 16p13.11.
Variant type: single nucleotide variant.
Coding change: c.1437C>G on transcript NM_002474.3 (MANE Select); coding-DNA position 1437, C replaced by G.
Protein change: p.Thr479=; no amino-acid change (threonine 479 retained).
Molecular consequence: synonymous variant.
Genome position (GRCh38, 1-based): chr16:15,757,965, G>C on the plus strand (C>G on the coding strand, the complement: MYH11 is on the minus strand). VCF-style: chr16-15757965-G-C. GRCh37 (hg19) VCF-style: chr16-15851822-G-C.
Other names: c.1458C>G, p.Thr486= (NM_001040113.2, NM_001040114.2); c.1437C>G, p.Thr479= (NM_022844.3).
Identifiers: ClinVar variation 923916 (VCV000923916.3), dbSNP rs2041773899, ClinGen allele CA493793589.

ClinVar aggregate classification (germline): Likely benign. Review status: criteria provided, multiple submitters, no conflicts (2 of 4 stars). 2 submissions from 2 submitters: Likely benign (2). Last evaluated 2023-12-13.

Conditions:
Familial thoracic aortic aneurysm and aortic dissection (TAAD). Also called: Thoracic aortic aneurysms and dissections. Identifiers: Orphanet 91387, MedGen C4707243, MONDO:0019625.

Allele frequency attached by ClinVar (database versions not stated): gnomAD exomes below 0.00001.
gnomAD v4.1: 1 of 1,614,180 alleles (0.000062%); highest among the groups gnomAD compares: Non-Finnish European, 0.000085%; no homozygotes.

Submissions (2):

All of Us Research Program, National Institutes of Health
Classification: Likely benign for Familial thoracic aortic aneurysm and aortic dissection. Last evaluated: 2023-12-13. Review status: criteria provided, single submitter. Criteria: ACMG Guidelines, 2015. Collection method: clinical testing. Allele origin: germline. Inheritance: Autosomal dominant inheritance. Observed: 2 variant alleles, 2 heterozygotes.
Comment: This study involves interpretation of variants in research participants for the purpose of population health screening. Participant phenotype was not available at the time of variant classification. Additional details can be found in publication PMID: 35346344, PMCID: PMC8962531

Color Diagnostics, LLC DBA Color Health
Classification: Likely benign for Familial thoracic aortic aneurysm and aortic dissection. Last evaluated: 2019-12-09. Review status: criteria provided, single submitter. Criteria: ACMG Guidelines, 2015. Collection method: clinical testing. Allele origin: germline.